The following is an entry in ClinVar:

NM_001127222.2(CACNA1A):c.6125C>T (p.Thr2042Met)

Gene: CACNA1A (calcium voltage-gated channel subunit alpha1 A; minus strand). Cytogenetic location: 19p13.13.
Variant type: single nucleotide variant.
Coding change: c.6125C>T on transcript NM_001127222.2 (MANE Select); coding-DNA position 6125, C replaced by T.
Protein change: p.Thr2042Met; replaces threonine 2042 with methionine.
Molecular consequence: missense variant.
Genome position (GRCh38, 1-based): chr19:13,212,448, G>A on the plus strand (C>T on the coding strand, the complement: CACNA1A is on the minus strand). VCF-style: chr19-13212448-G-A. GRCh37 (hg19) VCF-style: chr19-13323262-G-A.
Other names: c.6125C>T (NM_001127222.1); c.6143C>T, p.Thr2048Met (NM_000068.4, NM_023035.3); c.6128C>T, p.Thr2043Met (NM_001127221.2); c.6134C>T, p.Thr2045Met (NM_001174080.2); short protein forms T2043M, T2048M, T2045M, T2042M.
Identifiers: ClinVar variation 386521 (VCV000386521.59), dbSNP rs563345694, ClinGen allele CA9239469.

ClinVar aggregate classification (germline): Conflicting classifications of pathogenicity. Review status: criteria provided, conflicting classifications (1 of 4 stars). 8 submissions from 8 submitters: Uncertain significance (4); Likely benign (4). Last evaluated 2026-09-01.

Conditions:
CACNA1A-related disorder. Also called: CACNA1A-related condition.
Developmental and epileptic encephalopathy, 42 (DEE42A). Also called: Epileptic encephalopathy, early infantile, 42; DEVELOPMENTAL AND EPILEPTIC ENCEPHALOPATHY 42A; EPILEPTIC ENCEPHALOPATHY, EARLY INFANTILE, 42A. Identifiers: MedGen C4310716, MONDO:0014917, OMIM 617106.
Episodic ataxia type 2 (EA2). Also called: ACETAZOLAMIDE-RESPONSIVE HEREDITARY PAROXYSMAL CEREBELLAR ATAXIA; ATAXIA, EPISODIC, WITH NYSTAGMUS; ATAXIA, FAMILIAL PAROXYSMAL; CEREBELLAR ATAXIA, PAROXYSMAL, ACETAZOLAMIDE-RESPONSIVE; CEREBELLOPATHY, HEREDITARY PAROXYSMAL; EPISODIC ATAXIA, NYSTAGMUS-ASSOCIATED. Identifiers: Orphanet 97, MedGen C1720416, MONDO:0007163, OMIM 108500.
Migraine, familial hemiplegic, 1. Also called: MIGRAINE, FAMILIAL HEMIPLEGIC 1, WITH PROGRESSIVE CEREBELLAR ATAXIA. Identifiers: Orphanet 569, MedGen C1832884, MONDO:0020756, OMIM 141500, MONDO:0007714.
Spinocerebellar ataxia type 6 (SCA6). Identifiers: Orphanet 98758, MedGen C0752124, MONDO:0008457, OMIM 183086.
Inborn genetic diseases. Identifiers: MedGen C0950123, MeSH D030342.

Allele frequency attached by ClinVar (database versions not stated): ExAC 0.00002; gnomAD 0.00003; gnomAD exomes 0.00004 and 0.00007; TOPMed 0.00004.
gnomAD v4.1: 103 of 1,610,832 alleles (0.0064%); highest among the groups gnomAD compares: Middle Eastern, 0.066%; no homozygotes.

Submissions (8):

CeGaT Center for Human Genetics Tuebingen
Classification: Uncertain significance. Last evaluated: 2026-09-01. Review status: criteria provided, single submitter. Criteria: CeGaT Center For Human Genetics Tuebingen Variant Classification Criteria Version 2. Collection method: clinical testing. Allele origin: germline. Affected: yes. Observed: 2 variant alleles.

Labcorp Genetics (formerly Invitae), Labcorp
Classification: Likely benign for Developmental and epileptic encephalopathy, 42; Episodic ataxia type 2. Last evaluated: 2026-02-03. Review status: criteria provided, single submitter. Criteria: Invitae Variant Classification Sherloc (09022015). Collection method: clinical testing. Allele origin: germline.

PreventionGenetics, part of Exact Sciences
Classification: Likely benign for CACNA1A-related condition. Last evaluated: 2025-11-21. Review status: criteria provided, single submitter. Criteria: ACMG Guidelines, 2015. Collection method: clinical testing. Allele origin: germline.
Comment: This variant is classified as likely benign based on ACMG/AMP sequence variant interpretation guidelines (Richards et al. 2015 PMID: 25741868, with internal and published modifications).

GeneDx
Classification: Likely benign. Last evaluated: 2021-06-18. Review status: criteria provided, single submitter. Criteria: GeneDx Variant Classification Process June 2021. Collection method: clinical testing. Allele origin: germline. Affected: yes.
Comment: In silico analysis, which includes protein predictors and evolutionary conservation, supports a deleterious effect; Has not been previously published as pathogenic or benign to our knowledge; This variant is associated with the following publications: (PMID: 30755392)

Ambry Genetics
Classification: Likely benign for Inborn genetic diseases. Last evaluated: 2019-01-17. Review status: criteria provided, single submitter. Criteria: Ambry Variant Classification Scheme 2023. Collection method: clinical testing. Allele origin: germline.

Center for Personalized Medicine, Children's Hospital Los Angeles
Classification: Uncertain significance. Last evaluated: 2018-11-19. Review status: criteria provided, single submitter. Criteria: ACMG Guidelines, 2015. Collection method: clinical testing. Allele origin: germline. Affected: yes.

Fulgent Genetics
Classification: Uncertain significance for Episodic ataxia type 2; Migraine, familial hemiplegic, 1; Spinocerebellar ataxia type 6; Developmental and epileptic encephalopathy, 42. Last evaluated: 2018-10-31. Review status: criteria provided, single submitter. Criteria: ACMG Guidelines, 2015. Collection method: clinical testing. Allele origin: unknown.

Athena Diagnostics
Classification: Uncertain significance. Last evaluated: 2018-08-27. Review status: criteria provided, single submitter. Criteria: Athena Diagnostics Criteria. Collection method: clinical testing. Allele origin: germline.